The following is an entry in ClinVar:

ClinVar aggregate classification (germline): Uncertain significance. Review status: criteria provided, multiple submitters, no conflicts (2 of 4 stars). 2 submissions from 2 submitters: Uncertain significance (2). Last evaluated 2025-03-22.

Conditions:
Hereditary cancer-predisposing syndrome. Also called: Hereditary Cancer Syndrome; Tumor predisposition; Hereditary neoplastic syndrome; Neoplastic Syndromes, Hereditary. Identifiers: Orphanet 140162, MedGen C0027672, MeSH D009386, MONDO:0015356.
Bloom syndrome (BLM). Also called: Bloom-Torre-Machacek syndrome. Identifiers: Orphanet 125, MedGen C0005859, MONDO:0008876, OMIM 210900.

Submissions (2):

Ambry Genetics
Classification: Uncertain significance for Hereditary cancer-predisposing syndrome. Last evaluated: 2025-03-22. Review status: criteria provided, single submitter. Criteria: Ambry Variant Classification Scheme 2023. Collection method: clinical testing. Allele origin: germline.
Comment: The p.N1048S variant (also known as c.3143A>G), located in coding exon 15 of the BLM gene, results from an A to G substitution at nucleotide position 3143. The asparagine at codon 1048 is replaced by serine, an amino acid with highly similar properties. This amino acid position is conserved. In addition, this alteration is predicted to be tolerated by in silico analysis. Based on the available evidence, the clinical significance of this variant remains unclear.

Labcorp Genetics (formerly Invitae), Labcorp
Classification: Uncertain significance for Bloom syndrome. Last evaluated: 2022-07-11. Review status: criteria provided, single submitter. Criteria: Invitae Variant Classification Sherloc (09022015). Collection method: clinical testing. Allele origin: germline.
Comment: In summary, the available evidence is currently insufficient to determine the role of this variant in disease. Therefore, it has been classified as a Variant of Uncertain Significance. Algorithms developed to predict the effect of missense changes on protein structure and function output the following: SIFT: "Tolerated"; PolyPhen-2: "Benign"; Align-GVGD: "Class C0". The serine amino acid residue is found in multiple mammalian species, which suggests that this missense change does not adversely affect protein function. This variant has not been reported in the literature in individuals affected with BLM-related conditions. This variant is not present in population databases (gnomAD no frequency). This sequence change replaces asparagine, which is neutral and polar, with serine, which is neutral and polar, at codon 1048 of the BLM protein (p.Asn1048Ser).

NM_000057.4(BLM):c.3143A>G (p.Asn1048Ser)

Gene: BLM (BLM RecQ like helicase; plus strand). Cytogenetic location: 15q26.1.
Variant type: single nucleotide variant.
Coding change: c.3143A>G on transcript NM_000057.4 (MANE Select); coding-DNA position 3143, A replaced by G.
Protein change: p.Asn1048Ser; replaces asparagine 1048 with serine.
Molecular consequence: missense variant.
Genome position (GRCh38, 1-based): chr15:90,794,290, A>G. VCF-style: chr15-90794290-A-G. GRCh37 (hg19) VCF-style: chr15-91337520-A-G.
Other names: c.3143A>G, p.Asn1048Ser (NM_001287246.2, NM_001287247.2); c.2018A>G, p.Asn673Ser (NM_001287248.2); short protein forms N1048S, N673S.
Identifiers: ClinVar variation 2188333 (VCV002188333.5), dbSNP rs2505525407, ClinGen allele CA393846929.